The following is an entry in ClinVar:

NM_181486.4(TBX5):c.242+1G>A

Gene: TBX5 (T-box transcription factor 5; minus strand). Cytogenetic location: 12q24.21.
Variant type: single nucleotide variant.
Coding change: c.242+1G>A on transcript NM_181486.4 (MANE Select); the canonical splice donor site of the intron after coding-DNA position 242, G replaced by A.
Molecular consequence: splice donor variant.
Genome position (GRCh38, 1-based): chr12:114,401,825, C>T on the plus strand (G>A on the coding strand, the complement: TBX5 is on the minus strand). VCF-style: chr12-114401825-C-T. GRCh37 (hg19) VCF-style: chr12-114839630-C-T.
Other names: c.92+1G>A (NM_080717.4); c.242+1G>A (NM_000192.3).
Identifiers: ClinVar variation 1193170 (VCV001193170.5), dbSNP rs2136421421, ClinGen allele CA386862954.

ClinVar aggregate classification (germline): Pathogenic/Likely pathogenic. Review status: criteria provided, multiple submitters, no conflicts (2 of 4 stars). 3 submissions from 3 submitters: Pathogenic (2); Likely pathogenic (1). Last evaluated 2025-07-08.

Conditions:
Holt-Oram syndrome (HOS). Also called: TBX5-Related Holt-Oram Syndrome; Ventriculo-radial syndrome; Cardiac-limb syndrome; Heart-hand syndrome, type 1. Identifiers: Orphanet 392, MedGen C0265264, MONDO:0007732, OMIM 142900.
TBX5-related disorder. Also called: TBX5-related condition.

Submissions (3):

GeneDx
Classification: Pathogenic. Last evaluated: 2025-07-08. Review status: criteria provided, single submitter. Criteria: GeneDx Variant Classification Process June 2021. Collection method: clinical testing. Allele origin: germline. Affected: yes.
Comment: Canonical splice site variant predicted to result in a null allele in a gene for which loss of function is a known mechanism of disease; Not observed at significant frequency in large population cohorts (gnomAD); This variant is associated with the following publications: (PMID: 25525159, 28991257, 16183809, 32368696, 31941532)

PreventionGenetics, part of Exact Sciences
Classification: Pathogenic for TBX5-related condition. Last evaluated: 2025-04-28. Review status: criteria provided, single submitter. Criteria: ACMG Guidelines, 2015. Collection method: clinical testing. Allele origin: germline.
Comment: The TBX5 c.242+1G>A variant is predicted to disrupt the GT donor site and interfere with normal splicing. This variant has been reported in individuals with Holt-Oram syndrome and in several individuals it was reported to be de novo (IVS3+1G>A in McDermott et al. 2005. PubMed ID: 16183809; Table S2, Sevim Bayrak et al. 2020. PubMed ID: 31941532; Table S9, Jin et al. 2017. PubMed ID: 28991257). This variant has not been reported in a large population database (gnomAD), indicating this variant is rare. Variants that disrupt the consensus splice donor site in TBX5 are expected to be pathogenic. This variant is interpreted as pathogenic.

Department of Human Genetics, Hannover Medical School
Classification: Likely pathogenic for Holt-Oram syndrome. Last evaluated: 2025-01-24. Review status: criteria provided, single submitter. Criteria: ACMG Guidelines, 2015. Collection method: clinical testing. Allele origin: germline. Inheritance: Autosomal dominant inheritance. Affected: yes.
Comment: ACMG: PVS1, PM2_Supporting